The following is an entry in ClinVar:

ClinVar aggregate classification (germline): Pathogenic (1 of 4 stars; one submission).

Conditions:
Peutz-Jeghers syndrome (PJS). Also called: POLYPOSIS, HAMARTOMATOUS INTESTINAL; POLYPS-AND-SPOTS SYNDROME; Peutz-Jeghers polyposis; Periorificial lentiginosis syndrome. Identifiers: Orphanet 2869, MedGen C0031269, MeSH D010580, MONDO:0008280, OMIM 175200.

Submission:

Labcorp Genetics (formerly Invitae), Labcorp
Classification: Pathogenic for Peutz-Jeghers syndrome. Last evaluated: 2020-12-27. Review status: criteria provided, single submitter. Criteria: Invitae Variant Classification Sherloc (09022015). Collection method: clinical testing. Allele origin: germline.
Comment: For these reasons, this variant has been classified as Pathogenic. This variant has not been reported in the literature in individuals with STK11-related conditions. This variant is not present in population databases (ExAC no frequency). This sequence change creates a premature translational stop signal (p.Leu45Alafs*118) in the STK11 gene. It is expected to result in an absent or disrupted protein product. Loss-of-function variants in STK11 are known to be pathogenic (PMID: 15188174, 16287113).

Literature cited by the submitters: PubMed 15188174; PubMed 16287113.

NM_000455.5(STK11):c.132dup (p.Leu45fs)

Gene: STK11 (serine/threonine kinase 11; plus strand). Cytogenetic location: 19p13.3.
Variant type: Duplication.
Coding change: c.132dup on transcript NM_000455.5 (MANE Select); coding-DNA position 132, one base duplicated (G; older notation c.132dupG).
Protein change: p.Leu45fs; shifts the reading frame from leucine 45.
Molecular consequence: frameshift variant.
Genome position (GRCh38, 1-based): chr19:1,207,045, G duplicated. VCF-style (leftmost placement, unchanged base first): chr19-1207044-A-AG. GRCh37 (hg19) VCF-style: chr19-1207043-A-AG.
Other names: short protein forms L45fs.
Identifiers: ClinVar variation 1456040 (VCV001456040.6), dbSNP rs2145405064, ClinGen allele CA2573155837.